The following is an entry in ClinVar:

ClinVar aggregate classification (germline): Likely pathogenic (1 of 4 stars; one submission).

Conditions:
Developmental and epileptic encephalopathy, 44 (DEE44). Also called: Epileptic encephalopathy, early infantile, 44. Identifiers: MedGen C4310700, MONDO:0014933, OMIM 617132.
Spinocerebellar ataxia, autosomal recessive 24 (SCAR24). Identifiers: MedGen C4310699, MONDO:0014934, OMIM 617133.

Submission:

First Genomix Gene Laboratory, Genetic Diagnostics Department
Classification: Likely pathogenic for Spinocerebellar ataxia, autosomal recessive 24; Developmental and epileptic encephalopathy, 44. Last evaluated: 2024-12-23. Review status: criteria provided, single submitter. Criteria: ACMG Guidelines, 2015. Collection method: clinical testing. Allele origin: germline. Inheritance: Autosomal recessive inheritance. Affected: no. Observed: 1 variant allele.

NM_024818.4:c.-823C>A

Gene: UBA5 (ubiquitin like modifier activating enzyme 5; plus strand).
Variant type: single nucleotide variant.
Identifiers: ClinVar variation 4845701 (VCV004845701.1).